The following is an entry in ClinVar:

NM_016107.5(ZFR):c.1123A>G (p.Thr375Ala)

Gene: ZFR (zinc finger RNA binding protein; minus strand). Cytogenetic location: 5p13.3.
Variant type: single nucleotide variant.
Coding change: c.1123A>G on transcript NM_016107.5 (MANE Select); coding-DNA position 1123, A replaced by G.
Protein change: p.Thr375Ala; replaces threonine 375 with alanine.
Molecular consequence: missense variant. On other transcripts: non-coding transcript variant (1).
Genome position (GRCh38, 1-based): chr5:32,404,007, T>C on the plus strand (A>G on the coding strand, the complement: ZFR is on the minus strand). VCF-style: chr5-32404007-T-C. GRCh37 (hg19) VCF-style: chr5-32404112-T-C.
Other names: short protein forms T375A.
Identifiers: ClinVar variation 2918321 (VCV002918321.3), dbSNP rs757746134, ClinGen allele CA3221903.
Genomic context (GRCh38, chr5:32,404,007, plus strand): 5'-CTGCTCCTGTACAAGACACATCGCAGAGCTCACAACGTAGCTGATTTTGAGTCCCACGAG[T>C]AGAACTGTTGCTGCTGCTGGTATTTTGTGAGGCTTTCAATGCAGCTTCTTTTTTTTTATG-3'
Protein context (NP_057191.2, residues 365-385): SQNTSSSNSS[Thr375Ala]RGTQNQLRCE

ClinVar aggregate classification (germline): Uncertain significance (1 of 4 stars; one submission).

Conditions:
Pure or complex autosomal recessive spastic paraplegia. Identifiers: Orphanet 320346, MedGen C5679887, MONDO:0017915.

Allele frequency attached by ClinVar (database versions not stated): gnomAD 0.00001; ExAC 0.00002.
gnomAD v4.1: 19 of 1,613,988 alleles (0.0012%); highest among the groups gnomAD compares: South Asian, 0.011%; no homozygotes.

Submission:

Labcorp Genetics (formerly Invitae), Labcorp
Classification: Uncertain significance for Pure or complex autosomal recessive spastic paraplegia. Last evaluated: 2023-08-10. Review status: criteria provided, single submitter. Criteria: Invitae Variant Classification Sherloc (09022015). Collection method: clinical testing. Allele origin: germline.
Comment: In summary, the available evidence is currently insufficient to determine the role of this variant in disease. Therefore, it has been classified as a Variant of Uncertain Significance. This variant has not been reported in the literature in individuals affected with ZFR-related conditions. This variant is present in population databases (rs757746134, gnomAD 0.006%). Algorithms developed to predict the effect of missense changes on protein structure and function output the following: SIFT: "Not Available"; PolyPhen-2: "Not Available"; Align-GVGD: "Not Available". The alanine amino acid residue is found in multiple mammalian species, which suggests that this missense change does not adversely affect protein function. This sequence change replaces threonine, which is neutral and polar, with alanine, which is neutral and non-polar, at codon 375 of the ZFR protein (p.Thr375Ala).